The following is an entry in ClinVar:

ClinVar aggregate classification (germline): Likely benign. Review status: criteria provided, multiple submitters, no conflicts (2 of 4 stars). 8 submissions from 8 submitters: Likely benign (6). 2 of the submissions do not count toward it. Last evaluated 2026-04-05.

Conditions:
Cardiovascular phenotype. Identifiers: MedGen CN230736.
SCN10A-related disorder. Also called: SCN10A-related condition.
Brugada syndrome. Also called: Sudden unexpected nocturnal death syndrome; Sudden Unexplained Death Syndrome; Sudden Unexplained Nocturnal Death Syndrome (SUNDS); Sudden unexplained nocturnal death syndrome. Identifiers: Orphanet 130, MedGen C1142166, MONDO:0015263.

Allele frequency attached by ClinVar (database versions not stated): gnomAD 0.00007 and 0.00008; gnomAD exomes 0.00009 and 0.00013; TOPMed 0.00010; ESP Exome Variant Server 0.00015; ExAC 0.00016.
gnomAD v4.1: 141 of 1,613,904 alleles (0.0087%); highest among the groups gnomAD compares: Non-Finnish European, 0.011%; no homozygotes.

Submissions (8):

PreventionGenetics, part of Exact Sciences
Classification: Likely benign for SCN10A-related condition. Last evaluated: 2026-04-05. Review status: criteria provided, single submitter. Criteria: ACMG Guidelines, 2015. Collection method: clinical testing. Allele origin: germline.
Comment: This variant is classified as likely benign based on ACMG/AMP sequence variant interpretation guidelines (Richards et al. 2015 PMID: 25741868, with internal and published modifications).

Labcorp Genetics (formerly Invitae), Labcorp
Classification: Likely benign for Brugada syndrome. Last evaluated: 2026-01-14. Review status: criteria provided, single submitter. Criteria: Invitae Variant Classification Sherloc (09022015). Collection method: clinical testing. Allele origin: germline.

Blueprint Genetics
Classification: Likely benign. Last evaluated: 2024-09-02. Review status: criteria provided, single submitter. Criteria: ACMG Guidelines, 2015. Collection method: clinical testing. Allele origin: germline.

CeGaT Center for Human Genetics Tuebingen
Classification: Likely benign. Last evaluated: 2024-06-01. Review status: criteria provided, single submitter. Criteria: CeGaT Center For Human Genetics Tuebingen Variant Classification Criteria Version 2. Collection method: clinical testing. Allele origin: germline. Affected: yes. Observed: 1 variant allele.
Comment: SCN10A: BP4, BP7

Ambry Genetics
Classification: Likely benign for Cardiovascular phenotype. Last evaluated: 2019-07-11. Review status: criteria provided, single submitter. Criteria: Ambry Variant Classification Scheme 2023. Collection method: clinical testing. Allele origin: germline.

GeneDx
Classification: Likely benign. Last evaluated: 2017-09-01. Review status: criteria provided, single submitter. Criteria: GeneDx Variant Classification (06012015). Collection method: clinical testing. Allele origin: germline. Affected: yes.
Comment: This variant is considered likely benign or benign based on one or more of the following criteria: it is a conservative change, it occurs at a poorly conserved position in the protein, it is predicted to be benign by multiple in silico algorithms, and/or has population frequency not consistent with disease.

Clinical Genetics, Academic Medical Center
Classification: Likely benign. Review status: no assertion criteria provided. Collection method: clinical testing. Allele origin: germline. Affected: yes. Study: VKGL Data-share Consensus. Not counted in ClinVar's aggregate classification.

Joint Genome Diagnostic Labs from Nijmegen and Maastricht, Radboudumc and MUMC+
Classification: Likely benign. Review status: no assertion criteria provided. Collection method: clinical testing. Allele origin: germline. Affected: yes. Study: VKGL Data-share Consensus. Not counted in ClinVar's aggregate classification.

NM_006514.4(SCN10A):c.87T>C (p.Ala29=)

Gene: SCN10A (sodium voltage-gated channel alpha subunit 10; minus strand). Cytogenetic location: 3p22.2.
Variant type: single nucleotide variant.
Coding change: c.87T>C on transcript NM_006514.4 (MANE Select); coding-DNA position 87, T replaced by C.
Protein change: p.Ala29=; no amino-acid change (alanine 29 retained).
Molecular consequence: synonymous variant.
Genome position (GRCh38, 1-based): chr3:38,793,924, A>G on the plus strand (T>C on the coding strand, the complement: SCN10A is on the minus strand). VCF-style: chr3-38793924-A-G. GRCh37 (hg19) VCF-style: chr3-38835415-A-G.
Other names: c.87T>C, p.Ala29= (NM_001293306.2, NM_001293307.2).
Identifiers: ClinVar variation 240683 (VCV000240683.35), dbSNP rs148392780, ClinGen allele CA2321305.